The following is an entry in ClinVar:

ClinVar aggregate classification (germline): Conflicting classifications of pathogenicity. Review status: criteria provided, conflicting classifications (1 of 4 stars). 4 submissions from 4 submitters: Uncertain significance (2); Likely benign (2). Last evaluated 2025-10-01.

Conditions:
Cardiovascular phenotype. Identifiers: MedGen CN230736.
Long QT syndrome (LQTS). Identifiers: MedGen C0023976, MeSH D008133, MONDO:0002442. Disease mechanism: loss of function. Inheritance: Various modes of inheritance.

Allele frequency attached by ClinVar (database versions not stated): ExAC 0.00003; gnomAD exomes 0.00004 and 0.00013; TOPMed 0.00004; gnomAD 0.00007.
gnomAD v4.1: 188 of 1,613,948 alleles (0.012%); highest among the groups gnomAD compares: Non-Finnish European, 0.016%; no homozygotes.

Submissions (4):

Labcorp Genetics (formerly Invitae), Labcorp
Classification: Uncertain significance for Long QT syndrome. Last evaluated: 2025-10-01. Review status: criteria provided, single submitter. Criteria: Invitae Variant Classification Sherloc (09022015). Collection method: clinical testing. Allele origin: germline.
Comment: This sequence change replaces methionine, which is neutral and non-polar, with isoleucine, which is neutral and non-polar, at codon 2722 of the ANK2 protein (p.Met2722Ile). This variant is present in population databases (rs193922637, gnomAD 0.009%). This missense change has been observed in individual(s) with ANK2-related conditions (PMID: 37967257). ClinVar contains an entry for this variant (Variation ID: 35691). An algorithm developed to predict the effect of missense changes on protein structure and function outputs the following: PolyPhen-2: "Benign". The isoleucine amino acid residue is found in multiple mammalian species, which suggests that this missense change does not adversely affect protein function. In summary, the available evidence is currently insufficient to determine the role of this variant in disease. Therefore, it has been classified as a Variant of Uncertain Significance.

Women's Health and Genetics/Laboratory Corporation of America, LabCorp
Classification: Likely benign. Last evaluated: 2024-02-09. Review status: criteria provided, single submitter. Criteria: LabCorp Variant Classification Summary - May 2015. Collection method: clinical testing. Allele origin: germline.
Comment: Variant summary: ANK2 c.8166G>A (p.Met2722Ile) results in a conservative amino acid change in the encoded protein sequence. Five of five in-silico tools predict a benign effect of the variant on protein function. The variant allele was found at a frequency of 0.00012 in 1613948 control chromosomes, predominantly at a frequency of 0.00016 within the Non-Finnish European subpopulation in the gnomAD (v4.0.0) database. The observed variant frequency within Non-Finnish European control individuals in the gnomAD database is approximately 16 fold of the estimated maximal expected allele frequency for a pathogenic variant in ANK2 causing Arrhythmia phenotype (1e-05), strongly suggesting that the variant is a benign polymorphism found primarily in populations of Non-Finnish European origin. c.8166G>A has been reported in the literature in a cohort of individuals affected with idiopathic ventricular fibrillation (e.g., Verheul_2023), however without strong evidence for causality (e.g., lack of co-occurrence and co-segregation data). This report does not provide unequivocal conclusions about association of the variant with Arrhythmia. To our knowledge, no experimental evidence demonstrating an impact on protein function has been reported. The following publication was ascertained in the context of this evaluation (PMID: 37967257). ClinVar contains an entry for this variant (Variation ID: 35691). Based on the evidence outlined above, the variant was classified as likely benign.

GeneDx
Classification: Uncertain significance. Last evaluated: 2020-12-29. Review status: criteria provided, single submitter. Criteria: GeneDx Variant Classification Process June 2021. Collection method: clinical testing. Allele origin: germline. Affected: yes.
Comment: Has not been previously published as pathogenic or benign to our knowledge; Reported in ClinVar (ClinVar Variant ID# 35691; Landrum et al., 2016); In silico analysis supports that this missense variant does not alter protein structure/function; Located in exon 38, which is reported as being expressed in a brain-specific transcript (Otto et al, 1991; Cunha et al, 2008; Wu et al, 2015)

Ambry Genetics
Classification: Likely benign for Cardiovascular phenotype. Last evaluated: 2019-12-12. Review status: criteria provided, single submitter. Criteria: Ambry Variant Classification Scheme 2023. Collection method: clinical testing. Allele origin: germline.

Literature cited by the submitters: PubMed 37967257 (cited by Labcorp Genetics (formerly Invitae), Labcorp and Women's Health and Genetics/Laboratory Corporation of America, LabCorp).

NM_001148.6(ANK2):c.8166G>A (p.Met2722Ile)

Gene: ANK2 (ankyrin 2; plus strand). Cytogenetic location: 4q26.
Variant type: single nucleotide variant.
Coding change: c.8166G>A on transcript NM_001148.6 (MANE Select); coding-DNA position 8166, G replaced by A.
Protein change: p.Met2722Ile; replaces methionine 2722 with isoleucine.
Molecular consequence: missense variant. On other transcripts: intron variant (68).
Genome position (GRCh38, 1-based): chr4:113,356,784, G>A. VCF-style: chr4-113356784-G-A. GRCh37 (hg19) VCF-style: chr4-114277940-G-A.
Other names: c.7932G>A, p.Met2644Ile (NM_001386142.1); c.4566G>A, p.Met1522Ile (NM_001386166.1); c.8307G>A, p.Met2769Ile (NM_001386174.1); c.8283G>A, p.Met2761Ile (NM_001386175.1); c.4412-4039G>A (NM_001386186.2, NM_001386148.2); c.4214-4039G>A (NM_001354269.3); c.4292-4039G>A (NM_001386187.2); c.4253-4039G>A (NM_001386147.1); and 35 more; short protein forms M2722I, M1522I, M2644I, M2761I, M2769I.
Identifiers: ClinVar variation 35691 (VCV000035691.14), dbSNP rs193922637, ClinGen allele CA213530.